The following is an entry in ClinVar:

ClinVar aggregate classification (germline): Uncertain significance. Review status: criteria provided, multiple submitters, no conflicts (2 of 4 stars). 2 submissions from 2 submitters: Uncertain significance (2). Last evaluated 2025-12-31.

Conditions:
Inborn genetic diseases. Identifiers: MedGen C0950123, MeSH D030342.

Allele frequency attached by ClinVar (database versions not stated): ExAC 0.00002; TOPMed below 0.00001; gnomAD exomes 0.00002; gnomAD 0.00001.
gnomAD v4.1: 27 of 1,613,732 alleles (0.0017%); highest among the groups gnomAD compares: Non-Finnish European, 0.0022%; no homozygotes.

Submissions (2):

Labcorp Genetics (formerly Invitae), Labcorp
Classification: Uncertain significance. Last evaluated: 2025-12-31. Review status: criteria provided, single submitter. Criteria: Invitae Variant Classification Sherloc (09022015). Collection method: clinical testing. Allele origin: germline.
Comment: This sequence change replaces proline, which is neutral and non-polar, with threonine, which is neutral and polar, at codon 2850 of the VCAN protein (p.Pro2850Thr). This variant is present in population databases (rs755019615, gnomAD 0.004%). This variant has not been reported in the literature in individuals affected with VCAN-related conditions. ClinVar contains an entry for this variant (Variation ID: 2363484). An algorithm developed to predict the effect of missense changes on protein structure and function (PolyPhen-2) suggests that this variant is likely to be tolerated. In summary, the available evidence is currently insufficient to determine the role of this variant in disease. Therefore, it has been classified as a Variant of Uncertain Significance.

Ambry Genetics
Classification: Uncertain significance for Inborn genetic diseases. Last evaluated: 2021-12-06. Review status: criteria provided, single submitter. Criteria: Ambry Variant Classification Scheme 2023. Collection method: clinical testing. Allele origin: germline.

NM_004385.5(VCAN):c.8548C>A (p.Pro2850Thr)

Genes: VCAN (versican; plus strand), VCAN-AS1 (VCAN antisense RNA 1; minus strand). Cytogenetic location: 5q14.3.
Variant type: single nucleotide variant.
Coding change: c.8548C>A on transcript NM_004385.5 (MANE Select); coding-DNA position 8548, C replaced by A.
Protein change: p.Pro2850Thr; replaces proline 2850 with threonine.
Molecular consequence: missense variant. On other transcripts: intron variant (2).
Genome position (GRCh38, 1-based): chr5:83,541,551, C>A. VCF-style: chr5-83541551-C-A. GRCh37 (hg19) VCF-style: chr5-82837370-C-A.
Other names: c.5587C>A, p.Pro1863Thr (NM_001164097.2); c.4004-3986C>A (NM_001164098.2); c.1043-3986C>A (NM_001126336.3); short protein forms P1863T, P2850T.
Identifiers: ClinVar variation 2363484 (VCV002363484.5), dbSNP rs755019615, ClinGen allele CA3333823.